The following is an entry in ClinVar:

ClinVar aggregate classification (germline): Uncertain significance (1 of 4 stars; one submission).

gnomAD v4.1: 16 of 1,612,934 alleles (0.00099%); highest among the groups gnomAD compares: Admixed American, 0.013%; no homozygotes.

Submission:

Labcorp Genetics (formerly Invitae), Labcorp
Classification: Uncertain significance. Last evaluated: 2025-07-03. Review status: criteria provided, single submitter. Criteria: Invitae Variant Classification Sherloc (09022015). Collection method: clinical testing. Allele origin: germline.
Comment: This sequence change replaces glycine, which is neutral and non-polar, with tryptophan, which is neutral and slightly polar, at codon 273 of the TOP1MT protein (p.Gly273Trp). This variant is present in population databases (rs146854602, gnomAD 0.01%). This variant has not been reported in the literature in individuals affected with TOP1MT-related conditions. ClinVar contains an entry for this variant (Variation ID: 2722300). An algorithm developed to predict the effect of missense changes on protein structure and function (PolyPhen-2) suggests that this variant is likely to be disruptive. In summary, the available evidence is currently insufficient to determine the role of this variant in disease. Therefore, it has been classified as a Variant of Uncertain Significance.

NM_052963.3(TOP1MT):c.817G>T (p.Gly273Trp)

Gene: TOP1MT (DNA topoisomerase I mitochondrial; minus strand). Cytogenetic location: 8q24.3.
Variant type: single nucleotide variant.
Coding change: c.817G>T on transcript NM_052963.3 (MANE Select); coding-DNA position 817, G replaced by T.
Protein change: p.Gly273Trp; replaces glycine 273 with tryptophan.
Molecular consequence: missense variant.
Genome position (GRCh38, 1-based): chr8:143,324,142, C>A on the plus strand (G>T on the coding strand, the complement: TOP1MT is on the minus strand). VCF-style: chr8-143324142-C-A. GRCh37 (hg19) VCF-style: chr8-144406312-C-A.
Other names: c.523G>T, p.Gly175Trp (NM_001258446.1, NM_001258447.1); short protein forms G175W, G273W.
Identifiers: ClinVar variation 2722300 (VCV002722300.3), dbSNP rs146854602, ClinGen allele CA4908652.
Genomic context (GRCh38, chr8:143,324,142, plus strand): 5'-TCTCGTCCACAAATCCCCGCAGGCGTCGAGCTGTTTCAAACTTCTGCCAAGCTGTCTCCC[C>A]CTAAACGAAGAAAATAACAGGAAAGAAAACATTCACATTCCTGTTAAATAACGGAGGAGG-3'
Protein context (NP_443195.1, residues 263-283): IMLNPCSKLK[Gly273Trp]ETAWQKFETA